The following is an entry in ClinVar:

NC_000023.10:g.(?_31893285)_(32383336_?)dup

Gene: DMD (dystrophin; minus strand). Cytogenetic location: Xp21.1.
Variant type: Duplication.
Identifiers: ClinVar variation 2424968 (VCV002424968.5).

ClinVar aggregate classification (germline): Uncertain significance (1 of 4 stars; one submission).

Conditions:
Duchenne muscular dystrophy (DMD). Also called: Duchenne Muscular Dystrophy (DMD); MUSCULAR DYSTROPHY, PSEUDOHYPERTROPHIC PROGRESSIVE, DUCHENNE TYPE. Identifiers: Orphanet 98896, MedGen C0013264, MONDO:0010679, OMIM 310200.

Submission:

Labcorp Genetics (formerly Invitae), Labcorp
Classification: Uncertain significance for Duchenne muscular dystrophy. Last evaluated: 2021-10-27. Review status: criteria provided, single submitter. Criteria: Invitae Variant Classification Sherloc (09022015). Collection method: clinical testing. Allele origin: germline.
Comment: This variant results in a copy number gain of the genomic region encompassing exon(s) 35-48 of the DMD gene. While the exact position of this variant cannot be determined from the data, sub-genic copy number gains are generally in tandem (PMID: 25640679). This variant is predicted to be in-frame, and likely preserves the integrity of the reading frame. This variant has not been reported in the literature in individuals affected with DMD-related conditions. Experimental studies and prediction algorithms are not available or were not evaluated, and the functional significance of this variant is currently unknown. In summary, the available evidence is currently insufficient to determine the role of this variant in disease. Therefore, it has been classified as a Variant of Uncertain Significance.

Literature cited by the submitters: PubMed 25640679.